The following is an entry in ClinVar:

ClinVar aggregate classification (germline): Uncertain significance (1 of 4 stars; one submission).

Submission:

Labcorp Genetics (formerly Invitae), Labcorp
Classification: Uncertain significance. Last evaluated: 2022-07-11. Review status: criteria provided, single submitter. Criteria: Invitae Variant Classification Sherloc (09022015). Collection method: clinical testing. Allele origin: germline.
Comment: In summary, the available evidence is currently insufficient to determine the role of this variant in disease. Therefore, it has been classified as a Variant of Uncertain Significance. This sequence change replaces phenylalanine, which is neutral and non-polar, with serine, which is neutral and polar, at codon 64 of the KCNJ13 protein (p.Phe64Ser). This variant is not present in population databases (gnomAD no frequency). This variant has not been reported in the literature in individuals affected with KCNJ13-related conditions. Algorithms developed to predict the effect of missense changes on protein structure and function (SIFT, PolyPhen-2, Align-GVGD) all suggest that this variant is likely to be disruptive.

NM_002242.4(KCNJ13):c.191T>C (p.Phe64Ser)

Genes: GIGYF2 (GRB10 interacting GYF protein 2; plus strand), KCNJ13 (potassium inwardly rectifying channel subfamily J member 13; minus strand). Cytogenetic location: 2q37.1.
Variant type: single nucleotide variant.
Coding change: c.191T>C on transcript NM_002242.4 (MANE Select); coding-DNA position 191, T replaced by C.
Protein change: p.Phe64Ser; replaces phenylalanine 64 with serine.
Molecular consequence: missense variant. On other transcripts: intron variant (5).
Genome position (GRCh38, 1-based): chr2:232,771,172, A>G on the plus strand (T>C on the coding strand, the complement: KCNJ13 is on the minus strand). VCF-style: chr2-232771172-A-G. GRCh37 (hg19) VCF-style: chr2-233635882-A-G.
Other names: c.191T>C, p.Phe64Ser (NM_001172416.1); c.532+9736A>G (NM_001103146.3, NM_015575.4, NM_001103148.2); c.533-5240A>G (NM_001103147.2); c.-23-27T>C (NM_001172417.1); short protein forms F64S.
Identifiers: ClinVar variation 2016096 (VCV002016096.4), dbSNP rs2469813628, ClinGen allele CA351013969.